The following is an entry in ClinVar:

NM_002635.4(SLC25A3):c.*221T>G

Gene: SLC25A3 (solute carrier family 25 member 3; plus strand). Cytogenetic location: 12q23.1.
Variant type: single nucleotide variant.
Coding change: c.*221T>G on transcript NM_002635.4 (MANE Select); 221 bases downstream of the stop codon, T replaced by G.
Molecular consequence: 3 prime UTR variant.
Genome position (GRCh38, 1-based): chr12:98,601,749, T>G. VCF-style: chr12-98601749-T-G. GRCh37 (hg19) VCF-style: chr12-98995527-T-G.
Other names: c.*221T>G (NM_005888.4, NM_213611.3).
Identifiers: ClinVar variation 310807 (VCV000310807.8), dbSNP rs115173420, ClinGen allele CA10643606.

ClinVar aggregate classification (germline): Benign. Review status: criteria provided, multiple submitters, no conflicts (2 of 4 stars). 3 submissions from 3 submitters: Benign (3). Last evaluated 2018-06-28.

Conditions:
Cardiomyopathy-hypotonia-lactic acidosis syndrome (MPCD). Identifiers: Orphanet 91130, MedGen C1835845, MONDO:0012557, OMIM 610773.

Allele frequency attached by ClinVar (database versions not stated): gnomAD exomes 0.01074; gnomAD 0.02769 and 0.02826; TOPMed 0.03115; 1000 Genomes Project 0.03714; 1000 Genomes Project 30x 0.03904.
gnomAD v4.1: 8,552 of 546,092 alleles (1.6%); highest among the groups gnomAD compares: African/African-American, 7.8%; 195 homozygotes.

Submissions (3):

GeneDx
Classification: Benign. Last evaluated: 2018-06-28. Review status: criteria provided, single submitter. Criteria: GeneDx Variant Classification Process June 2021. Collection method: clinical testing. Allele origin: germline. Affected: yes.

Illumina Laboratory Services, Illumina
Classification: Benign for Cardiomyopathy-hypotonia-lactic acidosis syndrome. Last evaluated: 2018-01-12. Review status: criteria provided, single submitter. Criteria: ICSL Variant Classification Criteria 13 December 2019. Collection method: clinical testing. Allele origin: germline.
Comment: This variant was observed in the ICSL laboratory as part of a predisposition screen in an ostensibly healthy population. It had not been previously curated by ICSL or reported in the Human Gene Mutation Database (HGMD: prior to June 1st, 2018), and was therefore a candidate for classification through an automated scoring system. Utilizing variant allele frequency, disease prevalence and penetrance estimates, and inheritance mode, an automated score was calculated to assess if this variant is too frequent to cause the disease. Based on the score and internal cut-off values, a variant classified as benign is not then subjected to further curation. The score for this variant resulted in a classification of benign for this disease.

Breakthrough Genomics
Classification: Benign. Review status: criteria provided, single submitter. Criteria: ACMG Guidelines, 2015. Collection method: not provided. Allele origin: germline. Inheritance: Autosomal recessive inheritance. Affected: yes.